The following is an entry in ClinVar:

ClinVar aggregate classification (germline): Uncertain significance (1 of 4 stars; one submission).

Allele frequency attached by ClinVar (database versions not stated): TOPMed below 0.00001.

Submission:

GeneDx
Classification: Uncertain significance. Last evaluated: 2023-02-02. Review status: criteria provided, single submitter. Criteria: GeneDx Variant Classification Process June 2021. Collection method: clinical testing. Allele origin: germline. Affected: yes.
Comment: Not observed at significant frequency in large population cohorts (gnomAD); Intronic +5 splice site variant in a gene for which loss of function is a known mechanism of disease, and both splice predictors and evolutionary conservation support a deleterious effect, although in the absence of functional evidence the actual effect of this sequence change is unknown.; Has not been previously published as pathogenic or benign to our knowledge

NM_006618.5(KDM5B):c.1197+5G>A

Gene: KDM5B (lysine demethylase 5B; minus strand). Cytogenetic location: 1q32.1.
Variant type: single nucleotide variant.
Coding change: c.1197+5G>A on transcript NM_006618.5 (MANE Select); 5 bases into the intron after coding-DNA position 1197, G replaced by A.
Molecular consequence: intron variant.
Genome position (GRCh38, 1-based): chr1:202,758,386, C>T on the plus strand (G>A on the coding strand, the complement: KDM5B is on the minus strand). VCF-style: chr1-202758386-C-T. GRCh37 (hg19) VCF-style: chr1-202727514-C-T.
Other names: c.1182+5G>A (NM_001399817.1); c.1062+5G>A (NM_001347591.2); c.1305+5G>A (NM_001314042.2).
Identifiers: ClinVar variation 2574841 (VCV002574841.1), dbSNP rs1656104139, ClinGen allele CA2481471324.
Genomic context (GRCh38, chr1:202,758,386, plus strand): 5'-CTTCAGGTACACTTTTCTCCAAAAGCTATTAAAATCCTAAATCAAAGCAGTATATATGTA[C>T]ATACATGGACTGGCATGTTGAAGTAATCAGATTTGAACGCATCTGCCATTTCCCCAAAAG-3'